The following is an entry in ClinVar:

NM_145038.5(DRC1):c.134C>T (p.Ala45Val)

Gene: DRC1 (dynein regulatory complex subunit 1; plus strand). Cytogenetic location: 2p23.3.
Variant type: single nucleotide variant.
Coding change: c.134C>T on transcript NM_145038.5 (MANE Select); coding-DNA position 134, C replaced by T.
Protein change: p.Ala45Val; replaces alanine 45 with valine.
Molecular consequence: missense variant.
Genome position (GRCh38, 1-based): chr2:26,402,123, C>T. VCF-style: chr2-26402123-C-T. GRCh37 (hg19) VCF-style: chr2-26624991-C-T.
Other names: c.134C>T (NM_145038.2); short protein forms A45V.
Identifiers: ClinVar variation 958963 (VCV000958963.9), dbSNP rs779282480, ClinGen allele CA1561751.

ClinVar aggregate classification (germline): Uncertain significance. Review status: criteria provided, multiple submitters, no conflicts (2 of 4 stars). 2 submissions from 2 submitters: Uncertain significance (2). Last evaluated 2025-02-07.

Conditions:
Inborn genetic diseases. Identifiers: MedGen C0950123, MeSH D030342.
Primary ciliary dyskinesia. Also called: Ciliary dyskinesia. Identifiers: Orphanet 244, MedGen C0008780, MONDO:0016575, HP:0012265.

Allele frequency attached by ClinVar (database versions not stated): ExAC 0.00002; TOPMed 0.00002.
gnomAD v4.1: 9 of 1,610,124 alleles (0.00056%); highest among the groups gnomAD compares: Admixed American, 0.012%; no homozygotes.

Submissions (2):

Ambry Genetics
Classification: Uncertain significance for Inborn genetic diseases. Last evaluated: 2025-02-07. Review status: criteria provided, single submitter. Criteria: Ambry Variant Classification Scheme 2023. Collection method: clinical testing. Allele origin: germline.

Labcorp Genetics (formerly Invitae), Labcorp
Classification: Uncertain significance for Primary ciliary dyskinesia. Last evaluated: 2021-01-07. Review status: criteria provided, single submitter. Criteria: Invitae Variant Classification Sherloc (09022015). Collection method: clinical testing. Allele origin: germline.
Comment: Algorithms developed to predict the effect of sequence changes on RNA splicing suggest that this variant may create or strengthen a splice site, but this prediction has not been confirmed by published transcriptional studies. In summary, the available evidence is currently insufficient to determine the role of this variant in disease. Therefore, it has been classified as a Variant of Uncertain Significance. Algorithms developed to predict the effect of missense changes on protein structure and function are either unavailable or do not agree on the potential impact of this missense change (SIFT: "Tolerated"; PolyPhen-2: "Probably Damaging"; Align-GVGD: "Class C0"). This variant has not been reported in the literature in individuals with DRC1-related conditions. This variant is present in population databases (rs779282480, ExAC 0.02%). This sequence change replaces alanine with valine at codon 45 of the DRC1 protein (p.Ala45Val). The alanine residue is moderately conserved and there is a small physicochemical difference between alanine and valine.